The following is an entry in ClinVar:

ClinVar aggregate classification (germline): Pathogenic/Likely pathogenic. Review status: criteria provided, multiple submitters, no conflicts (2 of 4 stars). 4 submissions from 4 submitters: Pathogenic (1); Likely pathogenic (1). 2 of the submissions do not count toward it. Last evaluated 2023-09-06.

Conditions:
Cerebral cavernous malformation (CCM). Also called: Cavernous Hemangioma of Brain; Cerebral cavernous hemangioma (type); Cerebral cavernous malformations; CAVERNOUS ANGIOMA, FAMILIAL; CAVERNOUS ANGIOMATOUS MALFORMATIONS; CEREBRAL CAPILLARY MALFORMATIONS. Identifiers: Orphanet 221061, MedGen C2919945, MONDO:0000820, OMIM 116860, HP:0033522.

Submissions (4):

Labcorp Genetics (formerly Invitae), Labcorp
Classification: Pathogenic for Cerebral cavernous malformation. Last evaluated: 2023-09-06. Review status: criteria provided, single submitter. Criteria: Invitae Variant Classification Sherloc (09022015). Collection method: clinical testing. Allele origin: germline.
Comment: Algorithms developed to predict the effect of sequence changes on RNA splicing suggest that this variant may create or strengthen a splice site. This variant disrupts a region of the KRIT1 protein in which other variant(s) (p.Thr712Glnfs*8) have been determined to be pathogenic (Invitae). This suggests that this is a clinically significant region of the protein, and that variants that disrupt it are likely to be disease-causing. For these reasons, this variant has been classified as Pathogenic. This sequence change creates a premature translational stop signal (p.Lys682Serfs*25) in the KRIT1 gene. While this is not anticipated to result in nonsense mediated decay, it is expected to disrupt the last 55 amino acid(s) of the KRIT1 protein. This variant is not present in population databases (gnomAD no frequency). This variant has not been reported in the literature in individuals affected with KRIT1-related conditions. ClinVar contains an entry for this variant (Variation ID: 590732).

PreventionGenetics, part of Exact Sciences
Classification: Likely pathogenic. Last evaluated: 2016-08-10. Review status: criteria provided, single submitter. Criteria: ACMG Guidelines, 2015. Collection method: clinical testing. Allele origin: germline.

Clinical Genetics DNA and cytogenetics Diagnostics Lab, Erasmus MC, Erasmus Medical Center
Classification: Pathogenic. Review status: no assertion criteria provided. Collection method: clinical testing. Allele origin: germline. Affected: yes. Study: VKGL Data-share Consensus. Not counted in ClinVar's aggregate classification.

Genome Diagnostics Laboratory, University Medical Center Utrecht
Classification: Pathogenic. Review status: no assertion criteria provided. Collection method: clinical testing. Allele origin: germline. Affected: yes. Study: VKGL Data-share Consensus. Not counted in ClinVar's aggregate classification.

NM_194454.3(KRIT1):c.2043del (p.Lys682fs)

Gene: KRIT1 (KRIT1 ankyrin repeat containing; minus strand). Cytogenetic location: 7q21.2.
Variant type: Deletion.
Coding change: c.2043del on transcript NM_194454.3 (MANE Select); coding-DNA position 2043, one base deleted (T; older notation c.2043delT).
Protein change: p.Lys682fs; shifts the reading frame from lysine 682.
Molecular consequence: frameshift variant.
Genome position (GRCh38, 1-based): chr7:92,201,406, A deleted on the plus strand (T on the coding strand, the reverse complement: KRIT1 is on the minus strand); the first of 2 consecutive A bases (chr7:92,201,406-92,201,407); deleting either gives the same sequence. VCF-style (leftmost placement, unchanged base first): chr7-92201405-TA-T. GRCh37 (hg19) VCF-style: chr7-91830719-TA-T.
Other names: c.2043delT (NM_194456.1); c.1899del, p.Lys634fs (NM_001013406.2, NM_001350669.1, NM_001350670.1); c.1329del, p.Lys444fs (NM_001350671.1); c.2043del, p.Lys682fs (NM_001350672.1, NM_001350673.1, NM_001350674.1 and 26 more transcripts); short protein forms K444fs, K634fs, K682fs.
Identifiers: ClinVar variation 590732 (VCV000590732.7), dbSNP rs1563212150, ClinGen allele CA891862783.